The following is an entry in ClinVar:

NM_016343.4(CENPF):c.5943del (p.Glu1982fs)

Gene: CENPF (centromere protein F; plus strand). Cytogenetic location: 1q41.
Variant type: Deletion.
Coding change: c.5943del on transcript NM_016343.4 (MANE Select); coding-DNA position 5943, one base deleted (T; older notation c.5943delT).
Protein change: p.Glu1982fs; shifts the reading frame from glutamic acid 1982.
Molecular consequence: frameshift variant.
Genome position (GRCh38, 1-based): chr1:214,645,513, T deleted. VCF-style (leftmost placement, unchanged base first): chr1-214645512-CT-C. GRCh37 (hg19) VCF-style: chr1-214818855-CT-C.
Other names: short protein forms E1982fs.
Identifiers: ClinVar variation 524136 (VCV000524136.2), dbSNP rs779235200, ClinGen allele CA1390884.

ClinVar aggregate classification (germline): Likely pathogenic (1 of 4 stars; one submission).

Allele frequency attached by ClinVar (database versions not stated): gnomAD 0.00001 and 0.00003; gnomAD exomes below 0.00001; ExAC 0.00001; TOPMed 0.00002.

Submission:

GeneDx
Classification: Likely pathogenic. Last evaluated: 2018-04-23. Review status: criteria provided, single submitter. Criteria: GeneDx Variant Classification (06012015). Collection method: clinical testing. Allele origin: germline. Affected: yes.
Comment: The c.5943delT variant in the CENPF gene has not been reported previously as a pathogenic variant nor as a benign variant, to our knowledge. This variant causes a frameshift starting with codon Glutamic acid 1982, changes this amino acid to a Lysine residue, and creates a premature Stop codon at position 3 of the new reading frame, denoted p.Glu1982LysfsX3. The c.5943delT variant is predicted to cause loss of normal protein function either through protein truncation or nonsense-mediated mRNA decay. This variant is not observed at a significant frequency in large population cohorts (Lek et al., 2016). We interpret c.5943delT as a likely pathogenic variant.